The following is an entry in ClinVar:

NM_020433.5(JPH2):c.1906A>G (p.Lys636Glu)

Gene: JPH2 (junctophilin 2; minus strand). Cytogenetic location: 20q13.12.
Variant type: single nucleotide variant.
Coding change: c.1906A>G on transcript NM_020433.5 (MANE Select); coding-DNA position 1906, A replaced by G.
Protein change: p.Lys636Glu; replaces lysine 636 with glutamic acid.
Molecular consequence: missense variant.
Genome position (GRCh38, 1-based): chr20:44,115,769, T>C on the plus strand (A>G on the coding strand, the complement: JPH2 is on the minus strand). VCF-style: chr20-44115769-T-C. GRCh37 (hg19) VCF-style: chr20-42744409-T-C.
Other names: short protein forms K636E.
Identifiers: ClinVar variation 1523126 (VCV001523126.8), dbSNP rs2145838058, ClinGen allele CA409099702.

ClinVar aggregate classification (germline): Uncertain significance (1 of 4 stars; one submission).

Conditions:
Hypertrophic cardiomyopathy. Also called: HYPERTROPHIC MYOCARDIOPATHY. Identifiers: Orphanet 217569, MedGen C0007194, MeSH D002312, MONDO:0005045, HP:0001639.

Submission:

Labcorp Genetics (formerly Invitae), Labcorp
Classification: Uncertain significance for Hypertrophic cardiomyopathy. Last evaluated: 2021-04-04. Review status: criteria provided, single submitter. Criteria: Invitae Variant Classification Sherloc (09022015). Collection method: clinical testing. Allele origin: germline.
Comment: In summary, the available evidence is currently insufficient to determine the role of this variant in disease. Therefore, it has been classified as a Variant of Uncertain Significance. Algorithms developed to predict the effect of missense changes on protein structure and function are either unavailable or do not agree on the potential impact of this missense change (SIFT: "Tolerated"; PolyPhen-2: "Possibly Damaging"; Align-GVGD: "Class C0"). This variant has not been reported in the literature in individuals with JPH2-related conditions. This variant is not present in population databases (ExAC no frequency). This sequence change replaces lysine with glutamic acid at codon 636 of the JPH2 protein (p.Lys636Glu). The lysine residue is weakly conserved and there is a small physicochemical difference between lysine and glutamic acid.